The following is an entry in ClinVar:

NM_012233.3(RAB3GAP1):c.2343_2347del (p.Pro782fs)

Gene: RAB3GAP1 (RAB3 GTPase activating protein catalytic subunit 1; plus strand). Cytogenetic location: 2q21.3.
Variant type: Deletion.
Coding change: c.2343_2347del on transcript NM_012233.3 (MANE Select); coding-DNA positions 2343 to 2347, 5 bases deleted (ACCTT; older notation c.2343_2347delACCTT).
Protein change: p.Pro782fs; shifts the reading frame from proline 782.
Molecular consequence: frameshift variant.
Genome position (GRCh38, 1-based): chr2:135,162,608-135,162,612, ACCTT deleted; deleting any 5 consecutive bases within chr2:135,162,606-135,162,612 gives the same sequence; the c. name uses the placement nearest the transcript's 3' end. VCF-style (leftmost placement, unchanged base first): chr2-135162605-GTTACC-G. GRCh37 (hg19) VCF-style: chr2-135920175-GTTACC-G.
Other names: c.2343_2347del (NM_012233.2); c.2343_2347del, p.Pro782fs (NM_001172435.2); c.2343_2347del5 (NM_012233.2); short protein forms P782fs.
Identifiers: ClinVar variation 195506 (VCV000195506.12), dbSNP rs794727324, ClinGen allele CA201792.
Genomic context (GRCh38, chr2:135,162,605, plus strand): 5'-CCTCCTTCAGGTGCTGCACTATCTGGCAATCCAGAAACCTGCAGACCTTGCTCGGCACCT[GTTACC>G]TTGTGTGATTCATGCAGCTGTACTCAAGGTAAAGGAAGAAGGTAAATGTCATATTTAACT-3'

ClinVar aggregate classification (germline): Pathogenic/Likely pathogenic. Review status: criteria provided, multiple submitters, no conflicts (2 of 4 stars). 4 submissions from 4 submitters: Pathogenic (3); Likely pathogenic (1). Last evaluated 2025-10-20.

Conditions:
RAB3GAP1-related disorder. Also called: RAB3GAP1-related condition; RAB3GAP1-related disorders.

Submissions (4):

PreventionGenetics, part of Exact Sciences
Classification: Pathogenic for RAB3GAP1-related condition. Last evaluated: 2025-10-20. Review status: criteria provided, single submitter. Criteria: ACMG Guidelines, 2015. Collection method: clinical testing. Allele origin: germline.
Comment: The RAB3GAP1 c.2343_2347del5 variant is predicted to result in a frameshift and premature protein termination (p.Pro782Cysfs*22). This variant has been reported in the homozygous state in an individual with Warburg micro syndrome (Handley et al. 2013. PubMed ID: 23420520). This variant is reported in 0.020% of alleles in individuals of African descent in gnomAD. Frameshift variants in RAB3GAP1 are expected to be pathogenic. This variant is interpreted as pathogenic.

GeneDx
Classification: Likely pathogenic. Last evaluated: 2023-09-28. Review status: criteria provided, single submitter. Criteria: GeneDx Variant Classification Process June 2021. Collection method: clinical testing. Allele origin: germline. Affected: yes.
Comment: Frameshift variant predicted to result in protein truncation or nonsense mediated decay in a gene for which loss-of-function is a known mechanism of disease; This variant is associated with the following publications: (PMID: 23420520)

Labcorp Genetics (formerly Invitae), Labcorp
Classification: Pathogenic. Last evaluated: 2023-02-25. Review status: criteria provided, single submitter. Criteria: Invitae Variant Classification Sherloc (09022015). Collection method: clinical testing. Allele origin: germline.
Comment: This variant is present in population databases (rs758574022, gnomAD 0.02%). This sequence change creates a premature translational stop signal (p.Pro782Cysfs*22) in the RAB3GAP1 gene. It is expected to result in an absent or disrupted protein product. Loss-of-function variants in RAB3GAP1 are known to be pathogenic (PMID: 23420520). This premature translational stop signal has been observed in individual(s) with clinical features of Warburg micro syndrome (PMID: 23420520). For these reasons, this variant has been classified as Pathogenic. ClinVar contains an entry for this variant (Variation ID: 195506).

Eurofins Ntd Llc (ga)
Classification: Pathogenic. Last evaluated: 2015-04-15. Review status: criteria provided, single submitter. Criteria: EGL Classification Definitions 2015. Collection method: clinical testing. Allele origin: germline. Observed: 1 variant allele, 1 homozygote.

Literature cited by the submitters: PubMed 23420520 (cited by Labcorp Genetics (formerly Invitae), Labcorp).